The following is an entry in ClinVar:

ClinVar aggregate classification (germline): Likely benign. Review status: criteria provided, multiple submitters, no conflicts (2 of 4 stars). 2 submissions from 2 submitters: Likely benign (2). Last evaluated 2023-01-17.

Conditions:
Emery-Dreifuss muscular dystrophy 4, autosomal dominant (EDMD4). Also called: EMERY-DREIFUSS MUSCULAR DYSTROPHY 4 WITH VARIABLE FEATURES. Identifiers: Orphanet 261, MedGen C2751807, MONDO:0013071, OMIM 612998.
Autosomal recessive ataxia, Beauce type. Also called: ATAXIA, RECESSIVE, OF BEAUCE; SYNE1-Related Autosomal Recessive Cerebellar Ataxia; Spinocerebellar ataxia, autosomal recessive 8; SYNE1 Deficiency. Identifiers: Orphanet 88644, MedGen C1853116, MONDO:0012549, OMIM 610743.

Allele frequency attached by ClinVar (database versions not stated): gnomAD exomes below 0.00001; TOPMed 0.00002; gnomAD 0.00003.
gnomAD v4.1: 6 of 1,613,630 alleles (0.00037%); highest among the groups gnomAD compares: African/African-American, 0.004%; no homozygotes.

Submissions (2):

Labcorp Genetics (formerly Invitae), Labcorp
Classification: Likely benign for Emery-Dreifuss muscular dystrophy 4, autosomal dominant; Autosomal recessive ataxia, Beauce type. Last evaluated: 2023-01-17. Review status: criteria provided, single submitter. Criteria: Invitae Variant Classification Sherloc (09022015). Collection method: clinical testing. Allele origin: germline.

GeneDx
Classification: Likely benign. Last evaluated: 2016-09-22. Review status: criteria provided, single submitter. Criteria: GeneDx Variant Classification (06012015). Collection method: clinical testing. Allele origin: germline. Affected: yes.
Comment: This variant is considered likely benign or benign based on one or more of the following criteria: it is a conservative change, it occurs at a poorly conserved position in the protein, it is predicted to be benign by multiple in silico algorithms, and/or has population frequency not consistent with disease.

NM_182961.4(SYNE1):c.18013-16A>G

Gene: SYNE1 (spectrin repeat containing nuclear envelope protein 1; minus strand). Cytogenetic location: 6q25.2.
Variant type: single nucleotide variant.
Coding change: c.18013-16A>G on transcript NM_182961.4 (MANE Select); 16 bases into the intron before coding-DNA position 18013, A replaced by G.
Molecular consequence: intron variant.
Genome position (GRCh38, 1-based): chr6:152,284,188, T>C on the plus strand (A>G on the coding strand, the complement: SYNE1 is on the minus strand). VCF-style: chr6-152284188-T-C. GRCh37 (hg19) VCF-style: chr6-152605323-T-C.
Other names: c.17800-16A>G (NM_033071.5).
Identifiers: ClinVar variation 389127 (VCV000389127.4), dbSNP rs1057523334, ClinGen allele CA16604992.